The following is an entry in ClinVar:

NM_145261.4(DNAJC19):c.246T>A (p.His82Gln)

Gene: DNAJC19 (DnaJ heat shock protein family (Hsp40) member C19; minus strand). Cytogenetic location: 3q26.33.
Variant type: single nucleotide variant.
Coding change: c.246T>A on transcript NM_145261.4 (MANE Select); coding-DNA position 246, T replaced by A.
Protein change: p.His82Gln; replaces histidine 82 with glutamine.
Molecular consequence: missense variant. On other transcripts: non-coding transcript variant (4).
Genome position (GRCh38, 1-based): chr3:180,985,960, A>T on the plus strand (T>A on the coding strand, the complement: DNAJC19 is on the minus strand). VCF-style: chr3-180985960-A-T. GRCh37 (hg19) VCF-style: chr3-180703748-A-T.
Other names: c.171T>A, p.His57Gln (NM_001190233.2); short protein forms H82Q, H57Q.
Identifiers: ClinVar variation 2080942 (VCV002080942.1), dbSNP rs1193024848, ClinGen allele CA355472282.

ClinVar aggregate classification (germline): Uncertain significance (1 of 4 stars; one submission).

Conditions:
3-methylglutaconic aciduria type 5. Also called: 3 alpha methylglutaconic aciduria type V; MGA 5; CARDIOMYOPATHY, DILATED, WITH ATAXIA; MGA, TYPE V. Identifiers: Orphanet 66634, MedGen C1857776, MONDO:0012435, OMIM 610198.

Allele frequency attached by ClinVar (database versions not stated): gnomAD 0.00001; TOPMed 0.00001.
gnomAD v4.1: 2 of 1,613,616 alleles (0.00012%); highest among the groups gnomAD compares: Non-Finnish European, 0.00017%; no homozygotes.

Submission:

Labcorp Genetics (formerly Invitae), Labcorp
Classification: Uncertain significance for 3-methylglutaconic aciduria type 5. Last evaluated: 2022-02-27. Review status: criteria provided, single submitter. Criteria: Invitae Variant Classification Sherloc (09022015). Collection method: clinical testing. Allele origin: germline.
Comment: This sequence change replaces histidine, which is basic and polar, with glutamine, which is neutral and polar, at codon 82 of the DNAJC19 protein (p.His82Gln). This variant is not present in population databases (gnomAD no frequency). This variant has not been reported in the literature in individuals affected with DNAJC19-related conditions. Algorithms developed to predict the effect of missense changes on protein structure and function are either unavailable or do not agree on the potential impact of this missense change (SIFT: "Deleterious"; PolyPhen-2: "Probably Damaging"; Align-GVGD: "Class C0"). In summary, the available evidence is currently insufficient to determine the role of this variant in disease. Therefore, it has been classified as a Variant of Uncertain Significance.